The following is an entry in ClinVar:

NM_000844.4(GRM7):c.2595G>A (p.Ala865=)

Gene: GRM7 (glutamate metabotropic receptor 7; plus strand). Cytogenetic location: 3p26.1.
Variant type: single nucleotide variant.
Coding change: c.2595G>A on transcript NM_000844.4 (MANE Select); coding-DNA position 2595, G replaced by A.
Protein change: p.Ala865=; no amino-acid change (alanine 865 retained).
Molecular consequence: synonymous variant.
Genome position (GRCh38, 1-based): chr3:7,680,192, G>A. VCF-style: chr3-7680192-G-A. GRCh37 (hg19) VCF-style: chr3-7721879-G-A.
Other names: c.2595G>A, p.Ala865= (NM_181874.3).
Identifiers: ClinVar variation 1613645 (VCV001613645.10), dbSNP rs150447178, ClinGen allele CA2235150.

ClinVar aggregate classification (germline): Likely benign. Review status: criteria provided, multiple submitters, no conflicts (2 of 4 stars). 2 submissions from 2 submitters: Likely benign (2). Last evaluated 2026-04-01.

Allele frequency attached by ClinVar (database versions not stated): gnomAD 0.00006 and 0.00008; ExAC 0.00007; TOPMed 0.00007; ESP Exome Variant Server 0.00008.
gnomAD v4.1: 120 of 1,614,022 alleles (0.0074%); highest among the groups gnomAD compares: Middle Eastern, 0.049%; no homozygotes.

Submissions (2):

CeGaT Center for Human Genetics Tuebingen
Classification: Likely benign. Last evaluated: 2026-04-01. Review status: criteria provided, single submitter. Criteria: CeGaT Center For Human Genetics Tuebingen Variant Classification Criteria Version 2. Collection method: clinical testing. Allele origin: germline. Affected: yes. Observed: 1 variant allele.
Comment: GRM7: BP4, BP7

Labcorp Genetics (formerly Invitae), Labcorp
Classification: Likely benign. Last evaluated: 2025-10-22. Review status: criteria provided, single submitter. Criteria: Invitae Variant Classification Sherloc (09022015). Collection method: clinical testing. Allele origin: germline.